The following is an entry in ClinVar:

NM_001104631.2(PDE4D):c.389C>G (p.Thr130Ser)

Gene: PDE4D (phosphodiesterase 4D; minus strand). Cytogenetic location: 5q12.1.
Variant type: single nucleotide variant.
Coding change: c.389C>G on transcript NM_001104631.2 (MANE Select); coding-DNA position 389, C replaced by G.
Protein change: p.Thr130Ser; replaces threonine 130 with serine.
Molecular consequence: missense variant. On other transcripts: intron variant (5).
Genome position (GRCh38, 1-based): chr5:59,893,234, G>C on the plus strand (C>G on the coding strand, the complement: PDE4D is on the minus strand). VCF-style: chr5-59893234-G-C. GRCh37 (hg19) VCF-style: chr5-59189061-G-C.
Other names: c.272+95254C>G (NM_001364599.1, NM_001165899.2, NM_001364600.2); c.-240+95254C>G (NM_001349243.2); c.242+95254C>G (NM_001349241.2); short protein forms T130S.
Identifiers: ClinVar variation 2100449 (VCV002100449.4), dbSNP rs2534915334, ClinGen allele CA359932478.

ClinVar aggregate classification (germline): Uncertain significance (1 of 4 stars; one submission).

gnomAD v4.1: 1 of 1,558,858 alleles (0.000064%); highest among the groups gnomAD compares: East Asian, 0.0024%; no homozygotes.

Submission:

Labcorp Genetics (formerly Invitae), Labcorp
Classification: Uncertain significance. Last evaluated: 2022-02-20. Review status: criteria provided, single submitter. Criteria: Invitae Variant Classification Sherloc (09022015). Collection method: clinical testing. Allele origin: germline.
Comment: Algorithms developed to predict the effect of missense changes on protein structure and function (SIFT, PolyPhen-2, Align-GVGD) all suggest that this variant is likely to be tolerated. This sequence change replaces threonine, which is neutral and polar, with serine, which is neutral and polar, at codon 130 of the PDE4D protein (p.Thr130Ser). This variant is not present in population databases (gnomAD no frequency). This variant has not been reported in the literature in individuals affected with PDE4D-related conditions. In summary, the available evidence is currently insufficient to determine the role of this variant in disease. Therefore, it has been classified as a Variant of Uncertain Significance.